The following is an entry in ClinVar:

ClinVar aggregate classification (germline): Uncertain significance (1 of 4 stars; one submission).

Conditions:
Chédiak-Higashi syndrome (CHS). Also called: Chediak-Higashi Syndrome. Identifiers: Orphanet 167, MedGen C0007965, MONDO:0008963, OMIM 214500.

Submission:

Labcorp Genetics (formerly Invitae), Labcorp
Classification: Uncertain significance for Chédiak-Higashi syndrome. Last evaluated: 2022-02-08. Review status: criteria provided, single submitter. Criteria: Invitae Variant Classification Sherloc (09022015). Collection method: clinical testing. Allele origin: germline.
Comment: This sequence change replaces leucine, which is neutral and non-polar, with serine, which is neutral and polar, at codon 1324 of the LYST protein (p.Leu1324Ser). This variant is not present in population databases (gnomAD no frequency). This variant has not been reported in the literature in individuals affected with LYST-related conditions. Algorithms developed to predict the effect of missense changes on protein structure and function (SIFT, PolyPhen-2, Align-GVGD) all suggest that this variant is likely to be tolerated. In summary, the available evidence is currently insufficient to determine the role of this variant in disease. Therefore, it has been classified as a Variant of Uncertain Significance.

NM_000081.4(LYST):c.3971T>C (p.Leu1324Ser)

Gene: LYST (lysosomal trafficking regulator; minus strand). Cytogenetic location: 1q42.3.
Variant type: single nucleotide variant.
Coding change: c.3971T>C on transcript NM_000081.4 (MANE Select); coding-DNA position 3971, T replaced by C.
Protein change: p.Leu1324Ser; replaces leucine 1324 with serine.
Molecular consequence: missense variant.
Genome position (GRCh38, 1-based): chr1:235,800,355, A>G on the plus strand (T>C on the coding strand, the complement: LYST is on the minus strand). VCF-style: chr1-235800355-A-G. GRCh37 (hg19) VCF-style: chr1-235963655-A-G.
Other names: c.3971T>C, p.Leu1324Ser (NM_001301365.1); short protein forms L1324S.
Identifiers: ClinVar variation 2095135 (VCV002095135.4), dbSNP rs2527009022, ClinGen allele CA344942054.